The following is an entry in ClinVar:

NM_020812.4(DOCK6):c.4491+1G>A

Genes: DOCK6-AS1 (DOCK6 antisense RNA 1; plus strand), DOCK6 (dedicator of cytokinesis 6; minus strand). Cytogenetic location: 19p13.2.
Variant type: single nucleotide variant.
Coding change: c.4491+1G>A on transcript NM_020812.4 (MANE Select); the canonical splice donor site of the intron after coding-DNA position 4491, G replaced by A.
Molecular consequence: splice donor variant.
Genome position (GRCh38, 1-based): chr19:11,213,175, C>T on the plus strand (G>A on the coding strand, the complement: DOCK6 is on the minus strand). VCF-style: chr19-11213175-C-T. GRCh37 (hg19) VCF-style: chr19-11323851-C-T.
Other names: c.4596+1G>A (NM_001367830.1).
Identifiers: ClinVar variation 498405 (VCV000498405.11), dbSNP rs772543889, ClinGen allele CA9206839.
Genomic context (GRCh38, chr19:11,213,175, plus strand): 5'-GACCCCACTGGCCACCCTGACCAGAGCCATGTGTGGACCATGCCTCCTAGCCCCCACTCA[C>T]GTGGCCGATCTCGAAGTTCTGTCGCATGAGCAGGTACAGCGAGGCGCTGGCGTGCGTGCG-3'

ClinVar aggregate classification (germline): Pathogenic/Likely pathogenic. Review status: criteria provided, multiple submitters, no conflicts (2 of 4 stars). 3 submissions from 3 submitters: Pathogenic (2); Likely pathogenic (1). Last evaluated 2026-01-05.

Conditions:
Adams-Oliver syndrome 2 (AOS2). Identifiers: Orphanet 974, MedGen C3280182, MONDO:0013635, OMIM 614219.

Allele frequency attached by ClinVar (database versions not stated): gnomAD exomes 0.00003; gnomAD 0.00004; TOPMed 0.00005.
gnomAD v4.1: 44 of 1,611,034 alleles (0.0027%); highest among the groups gnomAD compares: East Asian, 0.0067%; no homozygotes.

Submissions (3):

Labcorp Genetics (formerly Invitae), Labcorp
Classification: Pathogenic. Last evaluated: 2026-01-05. Review status: criteria provided, single submitter. Criteria: Invitae Variant Classification Sherloc (09022015). Collection method: clinical testing. Allele origin: germline.
Comment: This sequence change affects a donor splice site in intron 35 of the DOCK6 gene. It is expected to disrupt RNA splicing. Variants that disrupt the donor or acceptor splice site typically lead to a loss of protein function (PMID: 16199547), and loss-of-function variants in DOCK6 are known to be pathogenic (PMID: 21820096, 25824905). This variant is present in population databases (rs772543889, gnomAD 0.006%). Disruption of this splice site has been observed in individual(s) with Adams-Oliver syndrome (PMID: 25824905, 33176815). In at least one individual the data is consistent with being in trans (on the opposite chromosome) from a pathogenic variant. ClinVar contains an entry for this variant (Variation ID: 498405). Algorithms developed to predict the effect of sequence changes on RNA splicing suggest that this variant may disrupt the consensus splice site. For these reasons, this variant has been classified as Pathogenic.

Eurofins Ntd Llc (ga)
Classification: Pathogenic. Last evaluated: 2016-11-04. Review status: criteria provided, single submitter. Criteria: EGL Classification Definitions 2015. Collection method: clinical testing. Allele origin: germline. Observed: 1 variant allele, 1 heterozygote.

Juno Genomics, Hangzhou Juno Genomics, Inc
Classification: Likely pathogenic for Adams-Oliver syndrome 2. Review status: criteria provided, single submitter. Criteria: ACMG Guidelines, 2015. Collection method: clinical testing. Allele origin: germline.
Comment: Absent from controls (or at extremely low frequency if recessive) in Genome Aggregation Database.;Null variant in a gene where loss of function (LOF) is a known mechanism of disease.;For recessive disorders, detected in trans with a pathogenic variant.

Literature cited by the submitters: PubMed 16199547 (cited by Labcorp Genetics (formerly Invitae), Labcorp); PubMed 21820096 (cited by Labcorp Genetics (formerly Invitae), Labcorp); PubMed 25824905 (cited by Labcorp Genetics (formerly Invitae), Labcorp); PubMed 33176815 (cited by Labcorp Genetics (formerly Invitae), Labcorp).